The following is an entry in ClinVar:

NM_152722.5(HEPACAM):c.*270C>G

Gene: HEPACAM (hepatic and glial cell adhesion molecule; minus strand). Cytogenetic location: 11q24.2.
Variant type: single nucleotide variant.
Coding change: c.*270C>G on transcript NM_152722.5 (MANE Select); 270 bases downstream of the stop codon, C replaced by G.
Molecular consequence: 3 prime UTR variant.
Genome position (GRCh38, 1-based): chr11:124,920,868, G>C on the plus strand (C>G on the coding strand, the complement: HEPACAM is on the minus strand). VCF-style: chr11-124920868-G-C. GRCh37 (hg19) VCF-style: chr11-124790764-G-C.
Identifiers: ClinVar variation 303314 (VCV000303314.5), dbSNP rs143343787, ClinGen allele CA10638203.
Genomic context (GRCh38, chr11:124,920,868, plus strand): 5'-TACTGATGTTAGTTTCCATAAAACCCTTTTGGGTATTGGGCCAGAAATGTAATAATCTAT[G>C]TGGTCCTAAGAGGGCACAACCTATACCAAGTGAGGACACAGCCAGTAAACCGGAAGCAAA-3'

ClinVar aggregate classification (germline): Likely benign (1 of 4 stars; one submission).

Conditions:
Megalencephalic leukoencephalopathy with subcortical cysts. Also called: VAN DER KNAAP DISEASE. Identifiers: Orphanet 2478, MedGen C1858854, MONDO:0011391.

Allele frequency attached by ClinVar (database versions not stated): gnomAD exomes 0.00020; 1000 Genomes Project 0.00180; 1000 Genomes Project 30x 0.00203; gnomAD 0.00253 and 0.00277; TOPMed 0.00280.
gnomAD v4.1: 612 of 1,275,336 alleles (0.048%); highest among the groups gnomAD compares: African/African-American, 0.88%; 4 homozygotes.

Submission:

Illumina Laboratory Services, Illumina
Classification: Likely benign for Megalencephalic leukoencephalopathy with subcortical cysts. Last evaluated: 2018-01-12. Review status: criteria provided, single submitter. Criteria: ICSL Variant Classification Criteria 13 December 2019. Collection method: clinical testing. Allele origin: germline.
Comment: This variant was observed in the ICSL laboratory as part of a predisposition screen in an ostensibly healthy population. It had not been previously curated by ICSL or reported in the Human Gene Mutation Database (HGMD: prior to June 1st, 2018), and was therefore a candidate for classification through an automated scoring system. Utilizing variant allele frequency, disease prevalence and penetrance estimates, and inheritance mode, an automated score was calculated to assess if this variant is too frequent to cause the disease. Based on the score and internal cut-off values, a variant classified as likely benign is not then subjected to further curation. The score for this variant resulted in a classification of likely benign for this disease.